The following is an entry in ClinVar:

ClinVar aggregate classification (germline): Pathogenic (1 of 4 stars; one submission).

Conditions:
Cardiovascular phenotype. Identifiers: MedGen CN230736.
Hereditary cancer-predisposing syndrome. Also called: Hereditary Cancer Syndrome; Hereditary neoplastic syndrome; Neoplastic Syndromes, Hereditary; Tumor predisposition. Identifiers: Orphanet 140162, MedGen C0027672, MeSH D009386, MONDO:0015356.

Submission:

Ambry Genetics
Classification: Pathogenic for Cardiovascular phenotype; Hereditary cancer-predisposing syndrome. Last evaluated: 2022-05-12. Review status: criteria provided, single submitter. Criteria: Ambry Variant Classification Scheme 2023. Collection method: clinical testing. Allele origin: germline.
Comment: The c.60+1delG intronic pathogenic mutation, located in intron 1 of the NF1 gene, results from a deletion of one nucleotide within intron 1 of the NF1 gene. This alteration has been observed in individuals with a personal and/or family history that is consistent with NF1-related disease (Ambry internal data, Xu W et al. Int J Mol Med, 2014 Jul;34:53-60). This nucleotide position is highly conserved in available vertebrate species. In silico splice site analysis predicts that this alteration will weaken the native splice donor site and will result in the creation or strengthening of a novel splice donor site; however direct evidence is insufficient at this time (Ambry internal data). In addition to the clinical data presented in the literature, alterations that disrupt the canonical splice site are expected to cause aberrant splicing, resulting in an abnormal protein or a transcript that is subject to nonsense-mediated mRNA decay. As such, this alteration is classified as a disease-causing mutation.

NM_001042492.3(NF1):c.60+1del

Genes: MIR4733HG (MIR4733 host gene; minus strand), NF1 (neurofibromin 1; plus strand), LOC111811965 (NF1 (neurofibromin 1) promoter region; plus strand). Cytogenetic location: 17q11.2.
Variant type: Deletion.
Coding change: c.60+1del on transcript NM_001042492.3 (MANE Select); the canonical splice donor site of the intron after coding-DNA position 60, one base deleted (G; older notation c.60+1delG).
Molecular consequence: splice donor variant. On other transcripts: non-coding transcript variant (1).
Genome position (GRCh38, 1-based): chr17:31,095,370, G deleted; the last of 2 consecutive G bases (chr17:31,095,369-31,095,370); deleting either gives the same sequence. VCF-style (leftmost placement, unchanged base first): chr17-31095368-AG-A. GRCh37 (hg19) VCF-style: chr17-29422386-AG-A.
Other names: c.60+1delG (NM_000267.3); c.60+1del (NM_000267.4, NM_001128147.3).
Identifiers: ClinVar variation 1751022 (VCV001751022.2), dbSNP rs2544511668, ClinGen allele CA2580093210.